The following is an entry in ClinVar:

ClinVar aggregate classification (germline): Uncertain significance (1 of 4 stars; one submission).

Conditions:
Ullrich congenital muscular dystrophy 2 (UCMD2). Identifiers: Orphanet 75840, MedGen C4225314, MONDO:0014654, OMIM 616470.
Bethlem myopathy 2 (BTHLM2). Identifiers: Orphanet 536516, Orphanet 610, MedGen C4225313, MONDO:0034022, OMIM 616471.

Submission:

Labcorp Genetics (formerly Invitae), Labcorp
Classification: Uncertain significance for Bethlem myopathy 2; Ullrich congenital muscular dystrophy 2. Last evaluated: 2022-08-22. Review status: criteria provided, single submitter. Criteria: Invitae Variant Classification Sherloc (09022015). Collection method: clinical testing. Allele origin: germline.
Comment: Algorithms developed to predict the effect of missense changes on protein structure and function are either unavailable or do not agree on the potential impact of this missense change (SIFT: "Deleterious"; PolyPhen-2: "Probably Damaging"; Align-GVGD: "Class C0"). In summary, the available evidence is currently insufficient to determine the role of this variant in disease. Therefore, it has been classified as a Variant of Uncertain Significance. This variant has not been reported in the literature in individuals affected with COL12A1-related conditions. This variant is not present in population databases (gnomAD no frequency). This sequence change replaces leucine, which is neutral and non-polar, with proline, which is neutral and non-polar, at codon 2085 of the COL12A1 protein (p.Leu2085Pro).

NM_004370.6(COL12A1):c.6254T>C (p.Leu2085Pro)

Gene: COL12A1 (collagen type XII alpha 1 chain; minus strand). Cytogenetic location: 6q13.
Variant type: single nucleotide variant.
Coding change: c.6254T>C on transcript NM_004370.6 (MANE Select); coding-DNA position 6254, T replaced by C.
Protein change: p.Leu2085Pro; replaces leucine 2085 with proline.
Molecular consequence: missense variant.
Genome position (GRCh38, 1-based): chr6:75,128,382, A>G on the plus strand (T>C on the coding strand, the complement: COL12A1 is on the minus strand). VCF-style: chr6-75128382-A-G. GRCh37 (hg19) VCF-style: chr6-75838098-A-G.
Other names: c.2762T>C, p.Leu921Pro (NM_080645.3); short protein forms L2085P, L921P.
Identifiers: ClinVar variation 2010326 (VCV002010326.4), dbSNP rs1352514155, ClinGen allele CA364730455.